The following is an entry in ClinVar:

NM_000388.4(CASR):c.740C>G (p.Ser247Cys)

Gene: CASR (calcium sensing receptor; plus strand). Cytogenetic location: 3q21.1.
Variant type: single nucleotide variant.
Coding change: c.740C>G on transcript NM_000388.4 (MANE Select); coding-DNA position 740, C replaced by G.
Protein change: p.Ser247Cys; replaces serine 247 with cysteine.
Molecular consequence: missense variant.
Genome position (GRCh38, 1-based): chr3:122,261,775, C>G. VCF-style: chr3-122261775-C-G. GRCh37 (hg19) VCF-style: chr3-121980622-C-G.
Other names: c.740C>G, p.Ser247Cys (NM_001178065.2); short protein forms S247C.
Identifiers: ClinVar variation 3755106 (VCV003755106.2).
Genomic context (GRCh38, chr3:122,261,775, plus strand): 5'-GAGAGGAAGCTGAGGAAAGGGATATCTGCATCGACTTCAGTGAACTCATCTCCCAGTACT[C>G]TGATGAGGAAGAGATCCAGCATGTGGTAGAGGTGATTCAAAATTCCACGGCCAAAGTCAT-3'
Protein context (NP_000379.3, residues 237-257): IDFSELISQY[Ser247Cys]DEEEIQHVVE

ClinVar aggregate classification (germline): Uncertain significance (1 of 4 stars; one submission).

Conditions:
Autosomal dominant hypocalcemia 1 (HYPOC1). Also called: HYPOCALCEMIA, FAMILIAL. Identifiers: MedGen C3715128, MONDO:0011013, OMIM 601198.
Familial hypocalciuric hypercalcemia (FHH). Also called: Familial benign hypercalcemia. Identifiers: Orphanet 405, MedGen C1809471, MONDO:0018458.

Submission:

Labcorp Genetics (formerly Invitae), Labcorp
Classification: Uncertain significance for Familial hypocalciuric hypercalcemia; Autosomal dominant hypocalcemia 1. Last evaluated: 2024-03-04. Review status: criteria provided, single submitter. Criteria: Invitae Variant Classification Sherloc (09022015). Collection method: clinical testing. Allele origin: germline.
Comment: This sequence change replaces serine, which is neutral and polar, with cysteine, which is neutral and slightly polar, at codon 247 of the CASR protein (p.Ser247Cys). This variant is not present in population databases (gnomAD no frequency). This variant has not been reported in the literature in individuals affected with CASR-related conditions. An algorithm developed to predict the effect of missense changes on protein structure and function (PolyPhen-2) suggests that this variant is likely to be disruptive. In summary, the available evidence is currently insufficient to determine the role of this variant in disease. Therefore, it has been classified as a Variant of Uncertain Significance.